The following is an entry in ClinVar:

NM_000637.5(GSR):c.334-5del

Gene: GSR (glutathione-disulfide reductase; minus strand). Cytogenetic location: 8p12.
Variant type: Deletion.
Coding change: c.334-5del on transcript NM_000637.5 (MANE Select); 5 bases into the intron before coding-DNA position 334, one base deleted (T; older notation c.334-5delT).
Molecular consequence: intron variant.
Genome position (GRCh38, 1-based): chr8:30,709,907, A deleted on the plus strand (T on the coding strand, the reverse complement: GSR is on the minus strand); the first of 18 consecutive A bases (chr8:30,709,907-30,709,924); deleting any one gives the same sequence. VCF-style (leftmost placement, unchanged base first): chr8-30709906-TA-T. GRCh37 (hg19) VCF-style: chr8-30567423-TA-T.
Other names: NC_000008.10:g.30567441del; p.?; c.334-22del (NM_000637.5); c.334-5del (NM_001195104.3, NM_001195102.3, NM_001195103.3).
Identifiers: ClinVar variation 439765 (VCV000439765.12), dbSNP rs74518074, ClinGen allele CA4701549.

ClinVar aggregate classification (germline): Benign. Review status: criteria provided, multiple submitters, no conflicts (2 of 4 stars). 3 submissions from 3 submitters: Benign (3). Last evaluated 2022-05-17.

Submissions (12):

Mayo Clinic Laboratories, Mayo Clinic
Classification: Benign. Last evaluated: 2022-05-17. Review status: criteria provided, single submitter. Criteria: ACMG Guidelines, 2015. Collection method: clinical testing. Allele origin: germline. Observed: 1,353 variant alleles.
Comment: BA1

GeneDx
Classification: Benign. Last evaluated: 2021-06-09. Review status: criteria provided, single submitter. Criteria: GeneDx Variant Classification Process June 2021. Collection method: clinical testing. Allele origin: germline. Affected: yes.

ARUP Laboratories, Molecular Genetics and Genomics, ARUP Laboratories
Classification: Benign. Last evaluated: 2019-01-09. Review status: criteria provided, single submitter. Criteria: ARUP Molecular Germline Variant Investigation Process. Collection method: clinical testing. Allele origin: germline.

Dr. Peter K. Rogan Lab, Western University
No classification provided (evidence only). Condition: Familial cancer of breast. Review status: no classification provided. Collection method: in vitro. Allele origin: not applicable. Functional consequence: retained intron. Not counted in ClinVar's aggregate classification.

Dr. Peter K. Rogan Lab, Western University
No classification provided (evidence only). Condition: Familial cancer of breast. Review status: no classification provided. Collection method: in vitro. Allele origin: not applicable. Functional consequence: retained intron. Not counted in ClinVar's aggregate classification.

Dr. Peter K. Rogan Lab, Western University
No classification provided (evidence only). Condition: Cholangiocarcinoma. Review status: no classification provided. Collection method: in vitro. Allele origin: not applicable. Functional consequence: retained intron. Not counted in ClinVar's aggregate classification.

Dr. Peter K. Rogan Lab, Western University
No classification provided (evidence only). Condition: Malignant lymphoma, large B-cell, diffuse. Review status: no classification provided. Collection method: in vitro. Allele origin: not applicable. Functional consequence: retained intron. Not counted in ClinVar's aggregate classification.

Dr. Peter K. Rogan Lab, Western University
No classification provided (evidence only). Condition: Malignant lymphoma, large B-cell, diffuse. Review status: no classification provided. Collection method: in vitro. Allele origin: not applicable. Functional consequence: retained intron. Not counted in ClinVar's aggregate classification.

Dr. Peter K. Rogan Lab, Western University
No classification provided (evidence only). Condition: Gastric cancer. Review status: no classification provided. Collection method: in vitro. Allele origin: not applicable. Functional consequence: retained intron. Not counted in ClinVar's aggregate classification.

Dr. Peter K. Rogan Lab, Western University
No classification provided (evidence only). Condition: Uterine carcinosarcoma. Review status: no classification provided. Collection method: in vitro. Allele origin: not applicable. Functional consequence: retained intron. Not counted in ClinVar's aggregate classification.

Dr. Peter K. Rogan Lab, Western University
No classification provided (evidence only). Condition: Uterine corpus endometrial carcinoma. Review status: no classification provided. Collection method: in vitro. Allele origin: not applicable. Functional consequence: skipped exon, retained intron. Not counted in ClinVar's aggregate classification.

Dr. Peter K. Rogan Lab, Western University
No classification provided (evidence only). Condition: Uterine corpus endometrial carcinoma. Review status: no classification provided. Collection method: in vitro. Allele origin: not applicable. Functional consequence: retained intron. Not counted in ClinVar's aggregate classification.